The following is an entry in ClinVar:

NM_001134831.2(AHI1):c.2037-1G>C

Gene: AHI1 (Abelson helper integration site 1; minus strand). Cytogenetic location: 6q23.3.
Variant type: single nucleotide variant.
Coding change: c.2037-1G>C on transcript NM_001134831.2 (MANE Select); the canonical splice acceptor site of the intron before coding-DNA position 2037, G replaced by C.
Molecular consequence: splice acceptor variant.
Genome position (GRCh38, 1-based): chr6:135,433,257, C>G on the plus strand (G>C on the coding strand, the complement: AHI1 is on the minus strand). VCF-style: chr6-135433257-C-G. GRCh37 (hg19) VCF-style: chr6-135754395-C-G.
Other names: c.2037-1G>C (NM_001134830.2, NM_001350503.2, NM_017651.5 and 2 more transcripts).
Identifiers: ClinVar variation 917914 (VCV000917914.4), dbSNP rs1784918128, ClinGen allele CA365743853.

ClinVar aggregate classification (germline): Pathogenic. Review status: criteria provided, multiple submitters, no conflicts (2 of 4 stars). 3 submissions from 2 submitters: Pathogenic (2). 1 of the submissions does not count toward it. Last evaluated 2026-10-01.

Conditions:
Joubert syndrome 3 (JBTS3). Also called: AHI1-related Ciliopathy. Identifiers: Orphanet 220493, MedGen C1837713, MONDO:0012078, OMIM 608629.

Submissions (3):

CeGaT Center for Human Genetics Tuebingen
Classification: Pathogenic. Last evaluated: 2026-10-01. Review status: criteria provided, single submitter. Criteria: CeGaT Center For Human Genetics Tuebingen Variant Classification Criteria Version 2. Collection method: clinical testing. Allele origin: germline. Affected: yes. Observed: 1 variant allele.
Comment: AHI1: PVS1, PM2, PM3

Genomic Medicine Center of Excellence, King Faisal Specialist Hospital and Research Centre
Classification: Pathogenic for Joubert syndrome 3. Last evaluated: 2024-03-17. Review status: criteria provided, single submitter. Criteria: ACMG Guidelines, 2015. Collection method: research. Allele origin: germline.

Genomic Medicine Center of Excellence, King Faisal Specialist Hospital and Research Centre
Classification: Likely pathogenic for Joubert syndrome 3. Review status: flagged submission. Collection method: research. Allele origin: germline. Affected: yes. Not counted in ClinVar's aggregate classification.
ClinVar note: Reason: This record appears to be redundant with a more recent record from the same submitter.
ClinVar note: Notes: SCV001338704 appears to be redundant with SCV004805160.